The following is an entry in ClinVar:

ClinVar aggregate classification (germline): Likely benign. Review status: criteria provided, multiple submitters, no conflicts (2 of 4 stars). 2 submissions from 2 submitters: Likely benign (2). Last evaluated 2025-01-20.

Conditions:
Developmental and epileptic encephalopathy 94 (DEE94). Also called: CHD2-Related Neurodevelopmental Disorders; Epileptic encephalopathy, childhood-onset. Identifiers: Orphanet 1942, Orphanet 2382, MedGen C3809278, MONDO:0014150, OMIM 615369.

gnomAD v4.1: 1 of 1,614,018 alleles (0.000062%); highest among the groups gnomAD compares: Non-Finnish European, 0.000085%; no homozygotes.

Submissions (2):

Labcorp Genetics (formerly Invitae), Labcorp
Classification: Likely benign for Developmental and epileptic encephalopathy 94. Last evaluated: 2025-01-20. Review status: criteria provided, single submitter. Criteria: Invitae Variant Classification Sherloc (09022015). Collection method: clinical testing. Allele origin: germline.

CeGaT Center for Human Genetics Tuebingen
Classification: Likely benign. Last evaluated: 2024-01-01. Review status: criteria provided, single submitter. Criteria: CeGaT Center For Human Genetics Tuebingen Variant Classification Criteria Version 2. Collection method: clinical testing. Allele origin: germline. Affected: yes. Observed: 1 variant allele.
Comment: CHD2: BP4, BP7

NM_001271.4(CHD2):c.5058C>G (p.Ser1686=)

Gene: CHD2 (chromodomain helicase DNA binding protein 2; plus strand). Cytogenetic location: 15q26.1.
Variant type: single nucleotide variant.
Coding change: c.5058C>G on transcript NM_001271.4 (MANE Select); coding-DNA position 5058, C replaced by G.
Protein change: p.Ser1686=; no amino-acid change (serine 1686 retained).
Molecular consequence: synonymous variant.
Genome position (GRCh38, 1-based): chr15:93,020,163, C>G. VCF-style: chr15-93020163-C-G. GRCh37 (hg19) VCF-style: chr15-93563393-C-G.
Identifiers: ClinVar variation 2124061 (VCV002124061.26), dbSNP rs199851404, ClinGen allele CA492687974.